The following is an entry in ClinVar:

ClinVar aggregate classification (germline): Benign/Likely benign. Review status: criteria provided, multiple submitters, no conflicts (2 of 4 stars). 6 submissions from 6 submitters: Benign (1); Likely benign (4). 1 of the submissions does not count toward it. Last evaluated 2026-02-03.

Conditions:
Mucopolysaccharidosis, MPS-III-C (MPS3C). Also called: MUCOPOLYSACCHARIDOSIS, TYPE IIIC; Mucopolysaccharidosis type IIIC (Sanfilippo C); MPS IIIC (Sanfilippo Syndrome Type C); SANFILIPPO SYNDROME C; mucopolysaccharidosis type 3C; MPS III C. Identifiers: Orphanet 581, Orphanet 79271, MedGen C0086649, MONDO:0009657, OMIM 252930.
Retinitis pigmentosa 73 (RP73). Identifiers: Orphanet 791, MedGen C4225287, MONDO:0014687, OMIM 616544.

Allele frequency attached by ClinVar (database versions not stated): gnomAD 0.00475 and 0.00442; TOPMed 0.00485; gnomAD exomes 0.00106; 1000 Genomes Project 0.00379; 1000 Genomes Project 30x 0.00406; ExAC 0.00118; ESP Exome Variant Server 0.00340.
gnomAD v4.1: 1,256 of 1,613,602 alleles (0.078%); highest among the groups gnomAD compares: African/African-American, 1.5%; 6 homozygotes.

Submissions (6):

Labcorp Genetics (formerly Invitae), Labcorp
Classification: Benign for Retinitis pigmentosa 73; Mucopolysaccharidosis, MPS-III-C. Last evaluated: 2026-02-03. Review status: criteria provided, single submitter. Criteria: Invitae Variant Classification Sherloc (09022015). Collection method: clinical testing. Allele origin: germline.

Blueprint Genetics
Classification: Likely benign. Last evaluated: 2024-11-20. Review status: criteria provided, single submitter. Criteria: ACMG Guidelines, 2015. Collection method: clinical testing. Allele origin: germline.

Fulgent Genetics
Classification: Likely benign for Mucopolysaccharidosis, MPS-III-C; Retinitis pigmentosa 73. Last evaluated: 2021-11-23. Review status: criteria provided, single submitter. Criteria: ACMG Guidelines, 2015. Collection method: clinical testing. Allele origin: unknown.

Illumina Laboratory Services, Illumina
Classification: Likely benign for Mucopolysaccharidosis, MPS-III-C. Last evaluated: 2018-01-12. Review status: criteria provided, single submitter. Criteria: ICSL Variant Classification Criteria 13 December 2019. Collection method: clinical testing. Allele origin: germline.
Comment: This variant was observed in the ICSL laboratory as part of a predisposition screen in an ostensibly healthy population. It had not been previously curated by ICSL or reported in the Human Gene Mutation Database (HGMD: prior to June 1st, 2018), and was therefore a candidate for classification through an automated scoring system. Utilizing variant allele frequency, disease prevalence and penetrance estimates, and inheritance mode, an automated score was calculated to assess if this variant is too frequent to cause the disease. Based on the score and internal cut-off values, a variant classified as likely benign is not then subjected to further curation. The score for this variant resulted in a classification of likely benign for this disease.

Breakthrough Genomics
Classification: Likely benign. Review status: criteria provided, single submitter. Criteria: ACMG Guidelines, 2015. Collection method: not provided. Allele origin: germline. Inheritance: Autosomal recessive inheritance. Affected: yes.

Natera, Inc.
Classification: Benign for Mucopolysaccharidosis type IIIC. Last evaluated: 2019-10-28. Review status: no assertion criteria provided. Collection method: clinical testing. Allele origin: germline. Not counted in ClinVar's aggregate classification.

NM_152419.3(HGSNAT):c.1250+7G>A

Gene: HGSNAT (heparan-alpha-glucosaminide N-acetyltransferase; plus strand). Cytogenetic location: 8p11.21.
Variant type: single nucleotide variant.
Coding change: c.1250+7G>A on transcript NM_152419.3 (MANE Select); 7 bases into the intron after coding-DNA position 1250, G replaced by A.
Molecular consequence: intron variant.
Genome position (GRCh38, 1-based): chr8:43,191,602, G>A. VCF-style: chr8-43191602-G-A. GRCh37 (hg19) VCF-style: chr8-43046745-G-A.
Other names: c.1250+7G>A (NM_001363227.2); c.386+7G>A (NM_001363229.2); c.1058+7G>A (NM_001363228.2).
Identifiers: ClinVar variation 363148 (VCV000363148.18), dbSNP rs74795999, ClinGen allele CA4736814.